The following is an entry in ClinVar:

ClinVar aggregate classification (germline): Uncertain significance (1 of 4 stars; one submission).

Submission:

CeGaT Center for Human Genetics Tuebingen
Classification: Uncertain significance. Last evaluated: 2025-10-01. Review status: criteria provided, single submitter. Criteria: CeGaT Center For Human Genetics Tuebingen Variant Classification Criteria Version 2. Collection method: clinical testing. Allele origin: germline. Affected: yes. Observed: 1 variant allele.
Comment: ASH1L: PM2

NM_018489.3(ASH1L):c.3343A>G (p.Ser1115Gly)

Gene: ASH1L (ASH1 like histone lysine methyltransferase; minus strand). Cytogenetic location: 1q22.
Variant type: single nucleotide variant.
Coding change: c.3343A>G on transcript NM_018489.3 (MANE Select); coding-DNA position 3343, A replaced by G.
Protein change: p.Ser1115Gly; replaces serine 1115 with glycine.
Molecular consequence: missense variant.
Genome position (GRCh38, 1-based): chr1:155,479,527, T>C on the plus strand (A>G on the coding strand, the complement: ASH1L is on the minus strand). VCF-style: chr1-155479527-T-C. GRCh37 (hg19) VCF-style: chr1-155449318-T-C.
Other names: c.3343A>G, p.Ser1115Gly (NM_001366177.2); short protein forms S1115G.
Identifiers: ClinVar variation 4534946 (VCV004534946.6).